The following is an entry in ClinVar:

ClinVar aggregate classification (germline): Benign/Likely benign. Review status: criteria provided, multiple submitters, no conflicts (2 of 4 stars). 4 submissions from 4 submitters: Benign (1); Likely benign (2). 1 of the submissions does not count toward it. Last evaluated 2025-01-21.

Conditions:
Familial cancer of breast. Also called: BREAST CANCER, FAMILIAL; Hereditary breast cancer; hereditary breast carcinoma. Identifiers: Orphanet 227535, MedGen C0346153, MONDO:0016419, OMIM 114480. Disease mechanism: loss of function.
Hereditary cancer-predisposing syndrome. Also called: Neoplastic Syndromes, Hereditary; Tumor predisposition; Hereditary Cancer Syndrome; Hereditary neoplastic syndrome. Identifiers: Orphanet 140162, MedGen C0027672, MeSH D009386, MONDO:0015356.

Allele frequency attached by ClinVar (database versions not stated): gnomAD exomes below 0.00001; TOPMed below 0.00001.
gnomAD v4.1: 2 of 1,614,100 alleles (0.00012%); highest among the groups gnomAD compares: Non-Finnish European, 0.00017%; no homozygotes.

Submissions (4):

Myriad Genetics, Inc.
Classification: Benign for Familial cancer of breast. Last evaluated: 2025-01-21. Review status: criteria provided, single submitter. Criteria: Myriad Autosomal Dominant, Autosomal Recessive and X-Linked Classification Criteria (2023). Collection method: clinical testing. Allele origin: unknown.
Comment: This variant is considered benign. This variant is a silent/synonymous amino acid change and it is not expected to impact splicing.

Labcorp Genetics (formerly Invitae), Labcorp
Classification: Likely benign for Familial cancer of breast. Last evaluated: 2023-07-17. Review status: criteria provided, single submitter. Criteria: Invitae Variant Classification Sherloc (09022015). Collection method: clinical testing. Allele origin: germline.

Ambry Genetics
Classification: Likely benign for Hereditary cancer-predisposing syndrome. Last evaluated: 2016-12-08. Review status: criteria provided, single submitter. Criteria: Ambry Variant Classification Scheme 2023. Collection method: clinical testing. Allele origin: germline.

Leiden Open Variation Database
Classification: Uncertain significance. Last evaluated: 2018-10-10. Review status: no assertion criteria provided. Collection method: curation. Allele origin: germline. Affected: yes. Not counted in ClinVar's aggregate classification.
Comment: Curators: Marc Tischkowitz, Arleen D. Auerbach. Submitter to LOVD: Yukihide Momozawa.

Literature cited by the submitters: PubMed 30287823 (cited by Leiden Open Variation Database).

NM_024675.4(PALB2):c.3060A>G (p.Gln1020=)

Gene: PALB2 (partner and localizer of BRCA2; minus strand). Cytogenetic location: 16p12.2.
Variant type: single nucleotide variant.
Coding change: c.3060A>G on transcript NM_024675.4 (MANE Select); coding-DNA position 3060, A replaced by G.
Protein change: p.Gln1020=; no amino-acid change (glutamine 1020 retained).
Molecular consequence: synonymous variant.
Genome position (GRCh38, 1-based): chr16:23,621,415, T>C on the plus strand (A>G on the coding strand, the complement: PALB2 is on the minus strand). VCF-style: chr16-23621415-T-C. GRCh37 (hg19) VCF-style: chr16-23632736-T-C.
Identifiers: ClinVar variation 484207 (VCV000484207.17), dbSNP rs1555459389, ClinGen allele CA494180162.